The following is an entry in ClinVar:

NM_000278.5(PAX2):c.932C>T (p.Ala311Val)

Gene: PAX2 (paired box 2; plus strand). Cytogenetic location: 10q24.31.
Variant type: single nucleotide variant.
Coding change: c.932C>T on transcript NM_000278.5 (MANE Select); coding-DNA position 932, C replaced by T.
Protein change: p.Ala311Val; replaces alanine 311 with valine.
Molecular consequence: missense variant.
Genome position (GRCh38, 1-based): chr10:100,824,660, C>T. VCF-style: chr10-100824660-C-T. GRCh37 (hg19) VCF-style: chr10-102584417-C-T.
Other names: p.Ala311Val; c.1025C>T, p.Ala342Val (NM_001304569.2); c.1001C>T, p.Ala334Val (NM_003987.5, NM_003990.5); c.932C>T, p.Ala311Val (NM_003988.5, NM_003989.5); c.1001C>T (NM_003990.4); short protein forms A311V, A334V, A342V.
Identifiers: ClinVar variation 156301 (VCV000156301.18), dbSNP rs78738655, ClinGen allele CA233182.

ClinVar aggregate classification (germline): Conflicting classifications of pathogenicity. Review status: criteria provided, conflicting classifications (1 of 4 stars). 7 submissions from 7 submitters: Uncertain significance (1); Likely benign (3). 3 of the submissions do not count toward it. Last evaluated 2026-01-22.

Conditions:
PAX2-Related Disorder. Also called: PAX2-related disorders. Identifiers: MedGen CN381309.
Renal coloboma syndrome (PAPRS). Also called: CONGENITAL ANOMALIES OF THE KIDNEY AND URINARY TRACT WITH OR WITHOUT OCULAR ABNORMALITIES; CAKUT WITH OR WITHOUT OCULAR ABNORMALITIES; OPTIC COLOBOMA, VESICOURETERAL REFLUX, AND RENAL ANOMALIES; OPTIC NERVE COLOBOMA WITH RENAL DISEASE; RENAL-COLOBOMA SYNDROME WITH MACULAR ABNORMALITIES; PAPILLORENAL SYNDROME WITH MILD OCULAR ABNORMALITIES. Identifiers: Orphanet 1475, MedGen C1852759, MONDO:0007352, OMIM 120330.
Focal segmental glomerulosclerosis 7 (FSGS7). Identifiers: Orphanet 656, MedGen C4014925, MONDO:0014451, OMIM 616002.
Retinal dystrophy. Also called: Inherited retinal dystrophy. Identifiers: Orphanet 71862, MedGen C0854723, MeSH D058499, MONDO:0019118, HP:0000556.

Allele frequency attached by ClinVar (database versions not stated): ESP Exome Variant Server 0.00161; gnomAD exomes 0.00012 and 0.00041; ExAC 0.00042; 1000 Genomes Project 30x 0.00078; 1000 Genomes Project 0.00080; gnomAD 0.00117 and 0.00126; TOPMed 0.00148.
gnomAD v4.1: 357 of 1,607,932 alleles (0.022%); highest among the groups gnomAD compares: African/African-American, 0.42%; 1 homozygote.

Submissions (7):

Labcorp Genetics (formerly Invitae), Labcorp
Classification: Likely benign for Renal coloboma syndrome; Focal segmental glomerulosclerosis 7. Last evaluated: 2026-01-22. Review status: criteria provided, single submitter. Criteria: Invitae Variant Classification Sherloc (09022015). Collection method: clinical testing. Allele origin: germline.

Mayo Clinic Laboratories, Mayo Clinic
Classification: Likely benign. Last evaluated: 2025-04-27. Review status: criteria provided, single submitter. Criteria: ACMG Guidelines, 2015. Collection method: clinical testing. Allele origin: germline. Observed: 6 variant alleles.
Comment: BS1, BP4

Blueprint Genetics
Classification: Likely benign. Last evaluated: 2024-09-20. Review status: criteria provided, single submitter. Criteria: ACMG Guidelines, 2015. Collection method: clinical testing. Allele origin: germline.

GeneDx
Classification: Uncertain significance. Last evaluated: 2018-10-04. Review status: criteria provided, single submitter. Criteria: GeneDx Variant Classification Process June 2021. Collection method: clinical testing. Allele origin: germline. Affected: yes.
Comment: Has been reported previously in an individual with retinal dystrophy (Carss et al., 2017); Has also been reported previously in an unaffected parent of a child anophthalmia but was not observed in the affected child (Gelb et al., 2001; Bower et al., 2012); In silico analysis, which includes protein predictors and evolutionary conservation, supports that this variant does not alter protein structure/function; In addition, in silico splice predictors suggest this variant may lead to abnormal gene splicing; This variant is associated with the following publications: (PMID: 11180607, 22213154, 28041643)

PreventionGenetics, part of Exact Sciences
Classification: Benign for PAX2-related condition. Last evaluated: 2021-04-15. Review status: no assertion criteria provided. Collection method: clinical testing. Allele origin: germline. Not counted in ClinVar's aggregate classification.
Comment: This variant is classified as benign based on ACMG/AMP sequence variant interpretation guidelines (Richards et al. 2015 PMID: 25741868, with internal and published modifications).

NIHR Bioresource Rare Diseases, University of Cambridge
Classification: Likely pathogenic for Retinal dystrophy. Last evaluated: 2015-01-01. Review status: no assertion criteria provided. Collection method: research. Allele origin: unknown. Affected: yes. Observed: 1 variant allele. Not counted in ClinVar's aggregate classification.

ClinVar Staff, National Center for Biotechnology Information (NCBI)
No classification provided. Review status: no classification provided. Collection method: not provided. Allele origin: unknown. Not counted in ClinVar's aggregate classification.
Comment: Based on information supplied by Graeme Grimes.

Literature cited by the submitters: PubMed 11180607 (cited by Mayo Clinic Laboratories, Mayo Clinic); PubMed 22213154 (cited by Mayo Clinic Laboratories, Mayo Clinic); PubMed 28041643 (cited by Mayo Clinic Laboratories, Mayo Clinic and NIHR Bioresource Rare Diseases, University of Cambridge).